The following is an entry in ClinVar:

NM_001130987.2(DYSF):c.828C>T (p.Thr276=)

Gene: DYSF (dysferlin; plus strand). Cytogenetic location: 2p13.2.
Variant type: single nucleotide variant.
Coding change: c.828C>T on transcript NM_001130987.2 (MANE Select); coding-DNA position 828, C replaced by T.
Protein change: p.Thr276=; no amino-acid change (threonine 276 retained).
Molecular consequence: synonymous variant.
Genome position (GRCh38, 1-based): chr2:71,515,691, C>T. VCF-style: chr2-71515691-C-T. GRCh37 (hg19) VCF-style: chr2-71742821-C-T.
Other names: c.735C>T, p.Thr245= (NM_001130455.2, NM_001130983.2, NM_001130984.2 and 1 more transcripts); c.732C>T, p.Thr244= (NM_001130976.2, NM_001130977.2, NM_001130978.2 and 1 more transcripts); c.825C>T, p.Thr275= (NM_001130979.2, NM_001130980.2, NM_001130981.2); c.828C>T, p.Thr276= (NM_001130982.2, NM_001130985.2).
Identifiers: ClinVar variation 390866 (VCV000390866.49), dbSNP rs376154300, ClinGen allele CA1705471.

ClinVar aggregate classification (germline): Likely benign. Review status: criteria provided, multiple submitters, no conflicts (2 of 4 stars). 6 submissions from 6 submitters: Likely benign (6). Last evaluated 2026-01-27.

Conditions:
Neuromuscular disease caused by qualitative or quantitative defects of dysferlin. Also called: Qualitative or quantitative defects of dysferlin; Dysferlinopathy. Identifiers: Orphanet 207073, MedGen C2931687, MONDO:0016145.

Allele frequency attached by ClinVar (database versions not stated): gnomAD 0.00003 and 0.00006; TOPMed 0.00005; gnomAD exomes 0.00014 and 0.00018; ESP Exome Variant Server 0.00015; 1000 Genomes Project 30x 0.00016; ExAC 0.00019; 1000 Genomes Project 0.00020.
gnomAD v4.1: 213 of 1,614,034 alleles (0.013%); highest among the groups gnomAD compares: South Asian, 0.093%; 1 homozygote.

Submissions (6):

Labcorp Genetics (formerly Invitae), Labcorp
Classification: Likely benign for Neuromuscular disease caused by qualitative or quantitative defects of dysferlin. Last evaluated: 2026-01-27. Review status: criteria provided, single submitter. Criteria: Invitae Variant Classification Sherloc (09022015). Collection method: clinical testing. Allele origin: germline.

Women's Health and Genetics/Laboratory Corporation of America, LabCorp
Classification: Likely benign. Last evaluated: 2025-05-14. Review status: criteria provided, single submitter. Criteria: LabCorp Variant Classification Summary - May 2015. Collection method: clinical testing. Allele origin: germline.

Blueprint Genetics
Classification: Likely benign. Last evaluated: 2024-10-15. Review status: criteria provided, single submitter. Criteria: ACMG Guidelines, 2015. Collection method: clinical testing. Allele origin: germline.

CeGaT Center for Human Genetics Tuebingen
Classification: Likely benign. Last evaluated: 2021-07-01. Review status: criteria provided, single submitter. Criteria: CeGaT Center For Human Genetics Tuebingen Variant Classification Criteria Version 2. Collection method: clinical testing. Allele origin: germline. Affected: yes. Observed: 1 variant allele.

GeneDx
Classification: Likely benign. Last evaluated: 2016-11-11. Review status: criteria provided, single submitter. Criteria: GeneDx Variant Classification (06012015). Collection method: clinical testing. Allele origin: germline. Affected: yes.
Comment: This variant is considered likely benign or benign based on one or more of the following criteria: it is a conservative change, it occurs at a poorly conserved position in the protein, it is predicted to be benign by multiple in silico algorithms, and/or has population frequency not consistent with disease.

Breakthrough Genomics
Classification: Likely benign. Review status: criteria provided, single submitter. Criteria: ACMG Guidelines, 2015. Collection method: not provided. Allele origin: germline. Inheritance: Autosomal recessive inheritance. Affected: yes.